The following is an entry in ClinVar:

NM_130468.4(CHST14):c.352G>A (p.Gly118Arg)

Gene: CHST14 (carbohydrate sulfotransferase 14; plus strand). Cytogenetic location: 15q15.1.
Variant type: single nucleotide variant.
Coding change: c.352G>A on transcript NM_130468.4 (MANE Select); coding-DNA position 352, G replaced by A.
Protein change: p.Gly118Arg; replaces glycine 118 with arginine.
Molecular consequence: missense variant.
Genome position (GRCh38, 1-based): chr15:40,471,565, G>A. VCF-style: chr15-40471565-G-A. GRCh37 (hg19) VCF-style: chr15-40763764-G-A.
Other names: short protein forms G118R.
Identifiers: ClinVar variation 2451984 (VCV002451984.2), dbSNP rs999093521, ClinGen allele CA268822369.

ClinVar aggregate classification (germline): Uncertain significance (1 of 4 stars; one submission).

Conditions:
Cardiovascular phenotype. Identifiers: MedGen CN230736.

gnomAD v4.1: 1 of 1,607,374 alleles (0.000062%); highest among the groups gnomAD compares: Non-Finnish European, 0.000085%; no homozygotes.

Submission:

Ambry Genetics
Classification: Uncertain significance for Cardiovascular phenotype. Last evaluated: 2023-02-12. Review status: criteria provided, single submitter. Criteria: Ambry Variant Classification Scheme 2023. Collection method: clinical testing. Allele origin: germline.
Comment: The p.G118R variant (also known as c.352G>A), located in coding exon 1 of the CHST14 gene, results from a G to A substitution at nucleotide position 352. The glycine at codon 118 is replaced by arginine, an amino acid with dissimilar properties. This amino acid position is conserved. In addition, this alteration is predicted to be tolerated by in silico analysis. Since supporting evidence is limited at this time, the clinical significance of this alteration remains unclear.